The following is an entry in ClinVar:

ClinVar aggregate classification (germline): Uncertain significance (1 of 4 stars; one submission).

Submission:

Labcorp Genetics (formerly Invitae), Labcorp
Classification: Uncertain significance. Last evaluated: 2024-05-20. Review status: criteria provided, single submitter. Criteria: Invitae Variant Classification Sherloc (09022015). Collection method: clinical testing. Allele origin: germline.
Comment: This sequence change replaces threonine, which is neutral and polar, with alanine, which is neutral and non-polar, at codon 346 of the DLST protein (p.Thr346Ala). This variant is not present in population databases (gnomAD no frequency). This variant has not been reported in the literature in individuals affected with DLST-related conditions. Advanced modeling of protein sequence and biophysical properties (such as structural, functional, and spatial information, amino acid conservation, physicochemical variation, residue mobility, and thermodynamic stability) performed at Invitae indicates that this missense variant is not expected to disrupt DLST protein function with a negative predictive value of 80%. In summary, the available evidence is currently insufficient to determine the role of this variant in disease. Therefore, it has been classified as a Variant of Uncertain Significance.

NM_001933.5(DLST):c.1036A>G (p.Thr346Ala)

Gene: DLST (dihydrolipoamide S-succinyltransferase; plus strand). Cytogenetic location: 14q24.3.
Variant type: single nucleotide variant.
Coding change: c.1036A>G on transcript NM_001933.5 (MANE Select); coding-DNA position 1036, A replaced by G.
Protein change: p.Thr346Ala; replaces threonine 346 with alanine.
Molecular consequence: missense variant. On other transcripts: non-coding transcript variant (2).
Genome position (GRCh38, 1-based): chr14:74,900,349, A>G. VCF-style: chr14-74900349-A-G. GRCh37 (hg19) VCF-style: chr14-75367052-A-G.
Other names: short protein forms T346A.
Identifiers: ClinVar variation 3650199 (VCV003650199.2).